The following is an entry in ClinVar:

ClinVar aggregate classification (germline): Uncertain significance (1 of 4 stars; one submission).

Conditions:
Birt-Hogg-Dube syndrome. Also called: Birt Hogg Dubé syndrome. Identifiers: Orphanet 122, MedGen C0346010, MONDO:0800444.

Allele frequency attached by ClinVar (database versions not stated): gnomAD exomes below 0.00001.

Submission:

Labcorp Genetics (formerly Invitae), Labcorp
Classification: Uncertain significance for Birt-Hogg-Dube syndrome. Last evaluated: 2023-03-16. Review status: criteria provided, single submitter. Criteria: Invitae Variant Classification Sherloc (09022015). Collection method: clinical testing. Allele origin: germline.
Comment: ClinVar contains an entry for this variant (Variation ID: 1450418). This variant has not been reported in the literature in individuals affected with FLCN-related conditions. This variant is present in population databases (no rsID available, gnomAD 0.0009%). This sequence change replaces serine, which is neutral and polar, with asparagine, which is neutral and polar, at codon 97 of the FLCN protein (p.Ser97Asn). Advanced modeling of protein sequence and biophysical properties (such as structural, functional, and spatial information, amino acid conservation, physicochemical variation, residue mobility, and thermodynamic stability) performed at Invitae indicates that this missense variant is expected to disrupt FLCN protein function. In summary, the available evidence is currently insufficient to determine the role of this variant in disease. Therefore, it has been classified as a Variant of Uncertain Significance.

NM_144997.7(FLCN):c.290G>A (p.Ser97Asn)

Gene: FLCN (folliculin; minus strand). Cytogenetic location: 17p11.2.
Variant type: single nucleotide variant.
Coding change: c.290G>A on transcript NM_144997.7 (MANE Select); coding-DNA position 290, G replaced by A.
Protein change: p.Ser97Asn; replaces serine 97 with asparagine.
Molecular consequence: missense variant.
Genome position (GRCh38, 1-based): chr17:17,226,282, C>T on the plus strand (G>A on the coding strand, the complement: FLCN is on the minus strand). VCF-style: chr17-17226282-C-T. GRCh37 (hg19) VCF-style: chr17-17129596-C-T.
Other names: c.290G>A, p.Ser97Asn (NM_001353229.2, NM_001353230.2, NM_001353231.2 and 1 more transcripts); short protein forms S97N.
Identifiers: ClinVar variation 1450418 (VCV001450418.10), dbSNP rs1227052253, ClinGen allele CA398534917.